The following is an entry in ClinVar:

NM_182961.4(SYNE1):c.10188T>G (p.Asp3396Glu)

Gene: SYNE1 (spectrin repeat containing nuclear envelope protein 1; minus strand). Cytogenetic location: 6q25.2.
Variant type: single nucleotide variant.
Coding change: c.10188T>G on transcript NM_182961.4 (MANE Select); coding-DNA position 10188, T replaced by G.
Protein change: p.Asp3396Glu; replaces aspartic acid 3396 with glutamic acid.
Molecular consequence: missense variant.
Genome position (GRCh38, 1-based): chr6:152,362,281, A>C on the plus strand (T>G on the coding strand, the complement: SYNE1 is on the minus strand). VCF-style: chr6-152362281-A-C. GRCh37 (hg19) VCF-style: chr6-152683416-A-C.
Other names: c.10209T>G, p.Asp3403Glu (NM_033071.5); short protein forms D3396E, D3403E.
Identifiers: ClinVar variation 1464474 (VCV001464474.8), dbSNP rs374839445, ClinGen allele CA4057032.

ClinVar aggregate classification (germline): Uncertain significance (1 of 4 stars; one submission).

Conditions:
Autosomal recessive ataxia, Beauce type. Also called: SYNE1-Related Autosomal Recessive Cerebellar Ataxia; Spinocerebellar ataxia, autosomal recessive 8; ATAXIA, RECESSIVE, OF BEAUCE; SYNE1 Deficiency. Identifiers: Orphanet 88644, MedGen C1853116, MONDO:0012549, OMIM 610743.
Emery-Dreifuss muscular dystrophy 4, autosomal dominant (EDMD4). Also called: EMERY-DREIFUSS MUSCULAR DYSTROPHY 4 WITH VARIABLE FEATURES. Identifiers: Orphanet 261, MedGen C2751807, MONDO:0013071, OMIM 612998.

Allele frequency attached by ClinVar (database versions not stated): gnomAD 0.00003; gnomAD exomes below 0.00001 and 0.00002; TOPMed 0.00002; ExAC 0.00003.
gnomAD v4.1: 10 of 1,614,234 alleles (0.00062%); highest among the groups gnomAD compares: African/African-American, 0.013%; no homozygotes.

Submission:

Labcorp Genetics (formerly Invitae), Labcorp
Classification: Uncertain significance for Emery-Dreifuss muscular dystrophy 4, autosomal dominant; Autosomal recessive ataxia, Beauce type. Last evaluated: 2021-06-09. Review status: criteria provided, single submitter. Criteria: Invitae Variant Classification Sherloc (09022015). Collection method: clinical testing. Allele origin: germline.
Comment: In summary, the available evidence is currently insufficient to determine the role of this variant in disease. Therefore, it has been classified as a Variant of Uncertain Significance. Algorithms developed to predict the effect of missense changes on protein structure and function are either unavailable or do not agree on the potential impact of this missense change (SIFT: "Deleterious"; PolyPhen-2: "Benign"; Align-GVGD: "Class C35"). This variant has not been reported in the literature in individuals with SYNE1-related conditions. This variant is present in population databases (rs374839445, ExAC 0.04%). This sequence change replaces aspartic acid with glutamic acid at codon 3403 of the SYNE1 protein (p.Asp3403Glu). The aspartic acid residue is highly conserved and there is a small physicochemical difference between aspartic acid and glutamic acid.